The following is an entry in ClinVar:

NM_025150.5(TARS2):c.1206C>T (p.Leu402=)

Gene: TARS2 (threonyl-tRNA synthetase 2, mitochondrial; plus strand). Cytogenetic location: 1q21.2.
Variant type: single nucleotide variant.
Coding change: c.1206C>T on transcript NM_025150.5 (MANE Select); coding-DNA position 1206, C replaced by T.
Protein change: p.Leu402=; no amino-acid change (leucine 402 retained).
Molecular consequence: synonymous variant. On other transcripts: non-coding transcript variant (2).
Genome position (GRCh38, 1-based): chr1:150,497,715, C>T. VCF-style: chr1-150497715-C-T. GRCh37 (hg19) VCF-style: chr1-150470191-C-T.
Other names: c.960C>T, p.Leu320= (NM_001271895.2); c.816C>T, p.Leu272= (NM_001271896.2).
Identifiers: ClinVar variation 3040077 (VCV003040077.3), dbSNP rs201205996, ClinGen allele CA1076941.

ClinVar aggregate classification (germline): Likely benign. Review status: criteria provided, single submitter (1 of 4 stars). 2 submissions from 2 submitters: Likely benign (1). 1 of the submissions does not count toward it. Last evaluated 2019-10-14.

Conditions:
TARS2-related disorder. Also called: TARS2-related condition.

Allele frequency attached by ClinVar (database versions not stated): ExAC 0.00001; gnomAD 0.00003; TOPMed 0.00004.
gnomAD v4.1: 21 of 1,613,924 alleles (0.0013%); highest among the groups gnomAD compares: African/African-American, 0.011%; no homozygotes.

Submissions (2):

Blueprint Genetics
Classification: Likely benign. Last evaluated: 2019-10-14. Review status: criteria provided, single submitter. Criteria: ACMG Guidelines, 2015. Collection method: clinical testing. Allele origin: germline.

PreventionGenetics, part of Exact Sciences
Classification: Likely benign for TARS2-related condition. Last evaluated: 2019-09-10. Review status: no assertion criteria provided. Collection method: clinical testing. Allele origin: germline. Not counted in ClinVar's aggregate classification.
Comment: This variant is classified as likely benign based on ACMG/AMP sequence variant interpretation guidelines (Richards et al. 2015 PMID: 25741868, with internal and published modifications).